The following is an entry in ClinVar:

ClinVar aggregate classification (germline): Uncertain significance. Review status: criteria provided, multiple submitters, no conflicts (2 of 4 stars). 3 submissions from 3 submitters: Uncertain significance (3). Last evaluated 2024-10-21.

Conditions:
Tuberous sclerosis 1 (TSC1). Identifiers: Orphanet 805, MedGen C1854465, MONDO:0008612, OMIM 191100.
Hereditary cancer-predisposing syndrome. Also called: Tumor predisposition; Hereditary neoplastic syndrome; Neoplastic Syndromes, Hereditary; Hereditary Cancer Syndrome. Identifiers: Orphanet 140162, MedGen C0027672, MeSH D009386, MONDO:0015356.
Lymphangiomyomatosis (LAM). Also called: Lymphangioleiomyomatosis; Lymphangioleiomyomatosis, somatic. Identifiers: Orphanet 538, MedGen C0751674, MONDO:0011705, OMIM 606690.
Isolated focal cortical dysplasia type II (FCORD2). Also called: Focal cortical dysplasia type II; CORTICAL DYSPLASIA OF TAYLOR. Identifiers: Orphanet 268994, MedGen C1846385, MONDO:0011818, OMIM 607341, HP:0032051.

Submissions (3):

Ambry Genetics
Classification: Uncertain significance for Hereditary cancer-predisposing syndrome. Last evaluated: 2024-10-21. Review status: criteria provided, single submitter. Criteria: Ambry Variant Classification Scheme 2023. Collection method: clinical testing. Allele origin: germline.
Comment: The p.S410L variant (also known as c.1229C>T), located in coding exon 10 of the TSC1 gene, results from a C to T substitution at nucleotide position 1229. The serine at codon 410 is replaced by leucine, an amino acid with dissimilar properties. This amino acid position is not well conserved in available vertebrate species. In addition, the in silico prediction for this alteration is inconclusive. Since supporting evidence is limited at this time, the clinical significance of this alteration remains unclear.

Fulgent Genetics
Classification: Uncertain significance for Tuberous sclerosis 1; Lymphangiomyomatosis; Isolated focal cortical dysplasia type II. Last evaluated: 2024-02-03. Review status: criteria provided, single submitter. Criteria: ACMG Guidelines, 2015. Collection method: clinical testing. Allele origin: germline.

Labcorp Genetics (formerly Invitae), Labcorp
Classification: Uncertain significance for Tuberous sclerosis 1. Last evaluated: 2023-07-06. Review status: criteria provided, single submitter. Criteria: Invitae Variant Classification Sherloc (09022015). Collection method: clinical testing. Allele origin: germline.
Comment: This sequence change replaces serine, which is neutral and polar, with leucine, which is neutral and non-polar, at codon 410 of the TSC1 protein (p.Ser410Leu). This variant is not present in population databases (gnomAD no frequency). This variant has not been reported in the literature in individuals affected with TSC1-related conditions. ClinVar contains an entry for this variant (Variation ID: 1520848). Advanced modeling of protein sequence and biophysical properties (such as structural, functional, and spatial information, amino acid conservation, physicochemical variation, residue mobility, and thermodynamic stability) performed at Invitae indicates that this missense variant is not expected to disrupt TSC1 protein function. In summary, the available evidence is currently insufficient to determine the role of this variant in disease. Therefore, it has been classified as a Variant of Uncertain Significance.

NM_000368.5(TSC1):c.1229C>T (p.Ser410Leu)

Gene: TSC1 (TSC complex subunit 1; minus strand). Cytogenetic location: 9q34.13.
Variant type: single nucleotide variant.
Coding change: c.1229C>T on transcript NM_000368.5 (MANE Select); coding-DNA position 1229, C replaced by T.
Protein change: p.Ser410Leu; replaces serine 410 with leucine.
Molecular consequence: missense variant.
Genome position (GRCh38, 1-based): chr9:132,910,605, G>A on the plus strand (C>T on the coding strand, the complement: TSC1 is on the minus strand). VCF-style: chr9-132910605-G-A. GRCh37 (hg19) VCF-style: chr9-135785992-G-A.
Other names: c.1226C>T, p.Ser409Leu (NM_001162426.2); c.1076C>T, p.Ser359Leu (NM_001162427.2); c.866C>T, p.Ser289Leu (NM_001362177.2); short protein forms S409L, S410L, S359L, S289L.
Identifiers: ClinVar variation 1520848 (VCV001520848.12), dbSNP rs1564487289, ClinGen allele CA375366844.